The following is an entry in ClinVar:

NM_006204.4(PDE6C):c.315C>T (p.Asn105=)

Gene: PDE6C (phosphodiesterase 6C; plus strand). Cytogenetic location: 10q23.33.
Variant type: single nucleotide variant.
Coding change: c.315C>T on transcript NM_006204.4 (MANE Select); coding-DNA position 315, C replaced by T.
Protein change: p.Asn105=; no amino-acid change (asparagine 105 retained).
Molecular consequence: synonymous variant.
Genome position (GRCh38, 1-based): chr10:93,613,040, C>T. VCF-style: chr10-93613040-C-T. GRCh37 (hg19) VCF-style: chr10-95372797-C-T.
Other names: c.315C>T (NM_006204.3).
Identifiers: ClinVar variation 1167612 (VCV001167612.12), dbSNP rs143619428, ClinGen allele CA5609809.
Genomic context (GRCh38, chr10:93,613,040, plus strand): 5'-GAGGCTGGCCCACCTGCTCCAGGCTGACCGCTGCAGCATGTTCCTGTGCCGGTCCCGGAA[C>T]GGCATACCTGAGGTGGCCTCTAGGTTGCTGGATGTCACCCCCACCTCCAAGTTTGAGGAC-3'
Protein context (NP_006195.3, residues 95-115): RCSMFLCRSR[Asn105=]GIPEVASRLL

ClinVar aggregate classification (germline): Benign/Likely benign. Review status: criteria provided, multiple submitters, no conflicts (2 of 4 stars). 3 submissions from 3 submitters: Benign (1); Likely benign (1). 1 of the submissions does not count toward it. Last evaluated 2025-12-01.

Conditions:
PDE6C-related disorder. Also called: PDE6C-related condition.

Allele frequency attached by ClinVar (database versions not stated): gnomAD exomes 0.00010 and 0.00027; ExAC 0.00029; 1000 Genomes Project 30x 0.00031; 1000 Genomes Project 0.00040; ESP Exome Variant Server 0.00108.
gnomAD v4.1: 289 of 1,614,182 alleles (0.018%); highest among the groups gnomAD compares: African/African-American, 0.32%; no homozygotes.

Submissions (3):

Labcorp Genetics (formerly Invitae), Labcorp
Classification: Benign. Last evaluated: 2025-12-01. Review status: criteria provided, single submitter. Criteria: Invitae Variant Classification Sherloc (09022015). Collection method: clinical testing. Allele origin: germline.

Blueprint Genetics
Classification: Likely benign. Last evaluated: 2024-06-24. Review status: criteria provided, single submitter. Criteria: ACMG Guidelines, 2015. Collection method: clinical testing. Allele origin: germline.

PreventionGenetics, part of Exact Sciences
Classification: Likely benign for PDE6C-related condition. Last evaluated: 2019-06-12. Review status: no assertion criteria provided. Collection method: clinical testing. Allele origin: germline. Not counted in ClinVar's aggregate classification.
Comment: This variant is classified as likely benign based on ACMG/AMP sequence variant interpretation guidelines (Richards et al. 2015 PMID: 25741868, with internal and published modifications).